The following is an entry in ClinVar:

NM_000368.5(TSC1):c.509-1G>A

Gene: TSC1 (TSC complex subunit 1; minus strand). Cytogenetic location: 9q34.13.
Variant type: single nucleotide variant.
Coding change: c.509-1G>A on transcript NM_000368.5 (MANE Select); the canonical splice acceptor site of the intron before coding-DNA position 509, G replaced by A.
Molecular consequence: splice acceptor variant.
Genome position (GRCh38, 1-based): chr9:132,921,974, C>T on the plus strand (G>A on the coding strand, the complement: TSC1 is on the minus strand). VCF-style: chr9-132921974-C-T. GRCh37 (hg19) VCF-style: chr9-135797361-C-T.
Other names: c.146-1G>A (NM_001406620.1, NM_001406618.1, NM_001406625.1 and 10 more transcripts); c.356-1G>A (NM_001406613.1, NM_001406612.1, NM_001406610.1 and 2 more transcripts); c.-369-1G>A (NM_001406627.1, NM_001406628.1, NM_001406626.1); c.-511-1G>A (NM_001406629.1); c.509-1G>A (NM_001406603.1, NM_001406609.1, NM_001406597.1 and 16 more transcripts); c.-585-1G>A (NM_001406630.1).
Identifiers: ClinVar variation 547819 (VCV000547819.4), dbSNP rs1554819620, ClinGen allele CA375372966.

ClinVar aggregate classification (germline): Pathogenic/Likely pathogenic. Review status: criteria provided, multiple submitters, no conflicts (2 of 4 stars). 3 submissions from 3 submitters: Pathogenic (2); Likely pathogenic (1). Last evaluated 2025-10-20.

Conditions:
Tuberous sclerosis 1 (TSC1). Identifiers: Orphanet 805, MedGen C1854465, MONDO:0008612, OMIM 191100.

Submissions (3):

GeneDx
Classification: Pathogenic. Last evaluated: 2025-10-20. Review status: criteria provided, single submitter. Criteria: GeneDx Variant Classification Process June 2021. Collection method: clinical testing. Allele origin: germline.
Comment: Canonical splice site variant predicted to result in a null allele in a gene for which loss of function is a known mechanism of disease; Not observed at significant frequency in large population cohorts (gnomAD); Has not been previously published as pathogenic or benign to our knowledge

Institute of Human Genetics, University of Leipzig Medical Center
Classification: Pathogenic for Tuberous sclerosis 1. Last evaluated: 2024-04-23. Review status: criteria provided, single submitter. Criteria: ACMG Guidelines, 2015. Collection method: clinical testing. Allele origin: unknown. Inheritance: Autosomal dominant inheritance. Affected: yes.
Comment: Criteria applied: PVS1,PS4_SUP,PM2_SUP

Center for Human Genetics, Inc
Classification: Likely pathogenic for Tuberous sclerosis 1. Last evaluated: 2016-11-01. Review status: criteria provided, single submitter. Criteria: ACMG Guidelines, 2015. Collection method: clinical testing. Allele origin: germline. Affected: yes.